The following is an entry in ClinVar:

ClinVar aggregate classification (germline): Uncertain significance (1 of 4 stars; one submission).

Conditions:
Autosomal dominant limb-girdle muscular dystrophy type 1D (DNAJB6) (LGMDD1). Also called: MUSCULAR DYSTROPHY, LIMB-GIRDLE, TYPE 1D; MUSCULAR DYSTROPHY, AUTOSOMAL DOMINANT, WITH RIMMED VACUOLES; Autosomal dominant limb-girdle muscular dystrophy type 1D; Muscular dystrophy, limb-girdle, autosomal dominant 1. Identifiers: Orphanet 34516, MedGen C4721885, MONDO:0021018, OMIM 603511.

Allele frequency attached by ClinVar (database versions not stated): TOPMed 0.00001.
gnomAD v4.1: 5 of 1,611,928 alleles (0.00031%); highest among the groups gnomAD compares: Non-Finnish European, 0.00042%; no homozygotes.

Submission:

Labcorp Genetics (formerly Invitae), Labcorp
Classification: Uncertain significance for Autosomal dominant limb-girdle muscular dystrophy type 1D (DNAJB6). Last evaluated: 2025-10-02. Review status: criteria provided, single submitter. Criteria: Invitae Variant Classification Sherloc (09022015). Collection method: clinical testing. Allele origin: germline.
Comment: This sequence change replaces glutamic acid, which is acidic and polar, with glycine, which is neutral and non-polar, at codon 41 of the DNAJB6 protein (p.Glu41Gly). This variant is present in population databases (rs201730743, gnomAD 0.0009%). This variant has not been reported in the literature in individuals affected with DNAJB6-related conditions. ClinVar contains an entry for this variant (Variation ID: 1038641). Invitae Evidence Modeling of protein sequence and biophysical properties (such as structural, functional, and spatial information, amino acid conservation, physicochemical variation, residue mobility, and thermodynamic stability) indicates that this missense variant is expected to disrupt DNAJB6 protein function with a positive predictive value of 80%. In summary, the available evidence is currently insufficient to determine the role of this variant in disease. Therefore, it has been classified as a Variant of Uncertain Significance.

NM_058246.4(DNAJB6):c.122A>G (p.Glu41Gly)

Gene: DNAJB6 (DnaJ heat shock protein family (Hsp40) member B6; plus strand). Cytogenetic location: 7q36.3.
Variant type: single nucleotide variant.
Coding change: c.122A>G on transcript NM_058246.4 (MANE Select); coding-DNA position 122, A replaced by G.
Protein change: p.Glu41Gly; replaces glutamic acid 41 with glycine.
Molecular consequence: missense variant.
Genome position (GRCh38, 1-based): chr7:157,363,217, A>G. VCF-style: chr7-157363217-A-G. GRCh37 (hg19) VCF-style: chr7-157155911-A-G.
Other names: c.122A>G, p.Glu41Gly (NM_001363676.1, NM_005494.3); short protein forms E41G.
Identifiers: ClinVar variation 1038641 (VCV001038641.7), dbSNP rs201730743, ClinGen allele CA4590358.